The following is an entry in ClinVar:

ClinVar aggregate classification (germline): Uncertain significance (1 of 4 stars; one submission).

Conditions:
KBG syndrome (KBGS). Also called: ANKRD11-Related KBG Syndrome. Identifiers: Orphanet 2332, MedGen C0220687, MONDO:0007846, OMIM 148050.

Allele frequency attached by ClinVar (database versions not stated): gnomAD 0.00001; gnomAD exomes 0.00001; TOPMed 0.00001.
gnomAD v4.1: 15 of 1,613,740 alleles (0.00093%); highest among the groups gnomAD compares: Admixed American, 0.005%; no homozygotes.

Submission:

Labcorp Genetics (formerly Invitae), Labcorp
Classification: Uncertain significance for KBG syndrome. Last evaluated: 2024-01-04. Review status: criteria provided, single submitter. Criteria: Invitae Variant Classification Sherloc (09022015). Collection method: clinical testing. Allele origin: germline.
Comment: This sequence change replaces arginine, which is basic and polar, with tryptophan, which is neutral and slightly polar, at codon 1156 of the ANKRD11 protein (p.Arg1156Trp). This variant is present in population databases (no rsID available, gnomAD 0.009%). This variant has not been reported in the literature in individuals affected with ANKRD11-related conditions. Advanced modeling of protein sequence and biophysical properties (such as structural, functional, and spatial information, amino acid conservation, physicochemical variation, residue mobility, and thermodynamic stability) performed at Invitae indicates that this missense variant is not expected to disrupt ANKRD11 protein function with a negative predictive value of 95%. In summary, the available evidence is currently insufficient to determine the role of this variant in disease. Therefore, it has been classified as a Variant of Uncertain Significance.

NM_013275.6(ANKRD11):c.3466C>T (p.Arg1156Trp)

Gene: ANKRD11 (ankyrin repeat domain 11; minus strand). Cytogenetic location: 16q24.3.
Variant type: single nucleotide variant.
Coding change: c.3466C>T on transcript NM_013275.6 (MANE Select); coding-DNA position 3466, C replaced by T.
Protein change: p.Arg1156Trp; replaces arginine 1156 with tryptophan.
Molecular consequence: missense variant.
Genome position (GRCh38, 1-based): chr16:89,283,076, G>A on the plus strand (C>T on the coding strand, the complement: ANKRD11 is on the minus strand). VCF-style: chr16-89283076-G-A. GRCh37 (hg19) VCF-style: chr16-89349484-G-A.
Other names: c.3466C>T, p.Arg1156Trp (NM_001256182.2, NM_001256183.2); short protein forms R1156W.
Identifiers: ClinVar variation 2873615 (VCV002873615.3), dbSNP rs964523960, ClinGen allele CA286518103.